The following is an entry in ClinVar:

ClinVar aggregate classification (germline): Uncertain significance (0 of 4 stars; one submission).

Conditions:
RECQL5-related disorder. Also called: RECQL5-related condition.

gnomAD v4.1: 203 of 1,613,850 alleles (0.013%); highest among the groups gnomAD compares: Non-Finnish European, 0.015%; no homozygotes.

Submission:

PreventionGenetics, part of Exact Sciences
Classification: Uncertain significance for RECQL5-related condition. Last evaluated: 2024-01-12. Review status: no assertion criteria provided. Collection method: clinical testing. Allele origin: germline.
Comment: The RECQL5 c.2635G>A variant is predicted to result in the amino acid substitution p.Val879Ile. To our knowledge, this variant has not been reported in the literature. This variant is reported in 0.013% of alleles in individuals of European (Non-Finnish) descent in gnomAD, but is not listed in ClinVar. At this time, the clinical significance of this variant is uncertain due to the absence of conclusive functional and genetic evidence.

NM_004259.7(RECQL5):c.2635G>A (p.Val879Ile)

Gene: RECQL5 (RecQ like helicase 5; minus strand). Cytogenetic location: 17q25.1.
Variant type: single nucleotide variant.
Coding change: c.2635G>A on transcript NM_004259.7 (MANE Select); coding-DNA position 2635, G replaced by A.
Protein change: p.Val879Ile; replaces valine 879 with isoleucine.
Molecular consequence: missense variant.
Genome position (GRCh38, 1-based): chr17:75,628,388, C>T on the plus strand (G>A on the coding strand, the complement: RECQL5 is on the minus strand). VCF-style: chr17-75628388-C-T. GRCh37 (hg19) VCF-style: chr17-73624468-C-T.
Other names: short protein forms V879I.
Identifiers: ClinVar variation 3040343 (VCV003040343.2), dbSNP rs201903596, ClinGen allele CA8766970.
Genomic context (GRCh38, chr17:75,628,388, plus strand): 5'-CCGTGGGATTCAAGGTGCCCTGTTCGCTGGCCGAGACGCTGCCCTTGACCTCAGCTACGA[C>T]GGAGGGCTTGGCTGAGGGGCGTGGCCTCTTCTGAGGCTGGCTCTCTGGGTTCTCCTGAGA-3'
Protein context (NP_004250.4, residues 869-889): KRPRPSAKPS[Val879Ile]VAEVKGSVSA